The following is an entry in ClinVar:

NM_001042492.3(NF1):c.4353T>G (p.Asn1451Lys)

Gene: NF1 (neurofibromin 1; plus strand). Cytogenetic location: 17q11.2.
Variant type: single nucleotide variant.
Coding change: c.4353T>G on transcript NM_001042492.3 (MANE Select); coding-DNA position 4353, T replaced by G.
Protein change: p.Asn1451Lys; replaces asparagine 1451 with lysine.
Molecular consequence: missense variant.
Genome position (GRCh38, 1-based): chr17:31,259,052, T>G. VCF-style: chr17-31259052-T-G. GRCh37 (hg19) VCF-style: chr17-29586070-T-G.
Other names: c.4290T>G, p.Asn1430Lys (NM_000267.4); short protein forms N1430K, N1451K.
Identifiers: ClinVar variation 3677158 (VCV003677158.3).

ClinVar aggregate classification (germline): Likely pathogenic. Review status: criteria provided, multiple submitters, no conflicts (2 of 4 stars). 2 submissions from 2 submitters: Likely pathogenic (2). Last evaluated 2024-06-13.

Conditions:
Neurofibromatosis, type 1 (NF1). Also called: Neurofibromatosis, type I; Peripheral type neurofibromatosis; VON RECKLINGHAUSEN DISEASE; NEUROFIBROMATOSIS, TYPE I, SOMATIC. Identifiers: Orphanet 636, MedGen C0027831, MONDO:0018975, OMIM 162200. Disease mechanism: loss of function.
NF1-related disorder. Also called: NF1-related condition. Identifiers: MedGen CN379171.

gnomAD v4.1: 1 of 1,601,222 alleles (0.000062%); highest among the groups gnomAD compares: Non-Finnish European, 0.000085%; no homozygotes.

Submissions (2):

Labcorp Genetics (formerly Invitae), Labcorp
Classification: Likely pathogenic for Neurofibromatosis, type 1. Last evaluated: 2024-06-13. Review status: criteria provided, single submitter. Criteria: Invitae Variant Classification Sherloc (09022015). Collection method: clinical testing. Allele origin: germline.
Comment: This sequence change replaces asparagine, which is neutral and polar, with lysine, which is basic and polar, at codon 1430 of the NF1 protein (p.Asn1430Lys). This variant is not present in population databases (gnomAD no frequency). This missense change has been observed in individual(s) with neurofibromatosis (PMID: 32381727). Advanced modeling of protein sequence and biophysical properties (such as structural, functional, and spatial information, amino acid conservation, physicochemical variation, residue mobility, and thermodynamic stability) performed at Invitae indicates that this missense variant is expected to disrupt NF1 protein function with a positive predictive value of 95%. This variant disrupts the p.Asn1430 amino acid residue in NF1. Other variant(s) that disrupt this residue have been determined to be pathogenic (PMID: 21567923, 27322474, 28422438). This suggests that this residue is clinically significant, and that variants that disrupt this residue are likely to be disease-causing. In summary, the currently available evidence indicates that the variant is pathogenic, but additional data are needed to prove that conclusively. Therefore, this variant has been classified as Likely Pathogenic.

Blueprint Genetics
Classification: Likely pathogenic for NF1-related disorders. Last evaluated: 2024-05-20. Review status: criteria provided, single submitter. Criteria: ACMG Guidelines, 2015. Collection method: clinical testing. Allele origin: germline. Affected: yes. Observed: 1 variant allele.

Literature cited by the submitters: PubMed 32381727 (cited by Labcorp Genetics (formerly Invitae), Labcorp); PubMed 21567923 (cited by Labcorp Genetics (formerly Invitae), Labcorp); PubMed 27322474 (cited by Labcorp Genetics (formerly Invitae), Labcorp); PubMed 28422438 (cited by Labcorp Genetics (formerly Invitae), Labcorp).